The following is an entry in ClinVar:

ClinVar aggregate classification (germline): Pathogenic (1 of 4 stars; one submission).

Conditions:
Neurofibromatosis, type 1 (NF1). Also called: VON RECKLINGHAUSEN DISEASE; Peripheral type neurofibromatosis; NEUROFIBROMATOSIS, TYPE I, SOMATIC; Neurofibromatosis, type I. Identifiers: Orphanet 636, MedGen C0027831, MONDO:0018975, OMIM 162200. Disease mechanism: loss of function.

Submission:

Labcorp Genetics (formerly Invitae), Labcorp
Classification: Pathogenic for Neurofibromatosis, type 1. Last evaluated: 2020-07-21. Review status: criteria provided, single submitter. Criteria: Invitae Variant Classification Sherloc (09022015). Collection method: clinical testing. Allele origin: germline.
Comment: This sequence change inserts a large fragment of DNA, likely a transposable element, in exon 16 of the NF1 gene (c.1835_1836insSVA), causing a frameshift at codon 614 (p.Asn614fs). The exact size and sequence of the insertion cannot be determined by the current assay. However, the insertion is expected to result in an absent or disrupted protein product. This variant is not present in population databases (ExAC no frequency). This variant has not been reported in the literature in individuals with NF1-related conditions. Retrotransposon insertions including LINE1 (L1), Alu, and SVA (SINE-VNTR-Alu) have been reported to be disease-causing through disruption of either a coding region or splice site (PMID: 19763152, 20307669, 22406018) and loss-of-function variants in NF1 are known to be pathogenic (PMID: 10712197, 23913538). For these reasons, this variant has been classified as Pathogenic.

Literature cited by the submitters: PubMed 19763152; PubMed 20307669; PubMed 22406018; PubMed 10712197; PubMed 23913538.

NM_001042492.3(NF1):c.1835_1836insAAAAATAAGGTGGCCGGGCGCGGTGGCTCACGCCTGTAATCCCAGCACTTTGGNNNNNNNNNNAAAAAAAAAAAAAAAAAAAA (p.Asn614fs)

Gene: NF1 (neurofibromin 1; plus strand). Cytogenetic location: 17q11.2.
Variant type: Insertion.
Coding change: c.1835_1836insAAAAATAAGGTGGCCGGGCGCGGTGGCTCACGCCTGTAATCCCAGCACTTTGGNNNNNNNNNNAAAAAAAAAAAAAAAAAAAA on transcript NM_001042492.3 (MANE Select); coding-DNA positions 1835 to 1836, AAAAATAAGGTGGCCGGGCGCGGTGGCTCACGCCTGTAATCCCAGCACTTTGGNNNNNNNNNNAAAAAAAAAAAAAAAAAAAA inserted.
Protein change: p.Asn614fs; shifts the reading frame from asparagine 614.
Molecular consequence: frameshift variant.
Genome position: GRCh38: chr17:31,223,557-31,223,558. GRCh37 (hg19): chr17:29,550,575-29,550,576.
Other names: c.1835_1836insAAAAATAAGGTGGCCGGGCGCGGTGGCTCACGCCTGTAATCCCAGCACTTTGGNNNNNNNNNNAAAAAAAAAAAAAAAAAAAA, p.Asn614Ilefs (NM_000267.4); short protein forms N614fs.
Identifiers: ClinVar variation 1072491 (VCV001072491.1), dbSNP rs2144017227.